The following is an entry in ClinVar:

NM_006182.4(DDR2):c.2254C>T (p.Arg752Cys)

Gene: DDR2 (discoidin domain receptor tyrosine kinase 2; plus strand). Cytogenetic location: 1q23.3.
Variant type: single nucleotide variant.
Coding change: c.2254C>T on transcript NM_006182.4 (MANE Select); coding-DNA position 2254, C replaced by T.
Protein change: p.Arg752Cys; replaces arginine 752 with cysteine.
Molecular consequence: missense variant.
Genome position (GRCh38, 1-based): chr1:162,776,341, C>T. VCF-style: chr1-162776341-C-T. GRCh37 (hg19) VCF-style: chr1-162746131-C-T.
Other names: c.2254C>T, p.Arg752Cys (NM_001014796.3, NM_001354982.2, NM_001354983.2 and 1 more transcripts); short protein forms R752C.
Identifiers: ClinVar variation 12313 (VCV000012313.4), dbSNP rs121964863, ClinGen allele CA122123.

ClinVar aggregate classification (germline): Likely pathogenic. Review status: criteria provided, multiple submitters, no conflicts (2 of 4 stars). 3 submissions from 3 submitters: Likely pathogenic (2). 1 of the submissions does not count toward it. Last evaluated 2025-09-16.

Conditions:
Spondyloepimetaphyseal dysplasia-short limb-abnormal calcification syndrome (SMED-SL). Also called: SMED short limb-hand type; SMED type 2; Spondylometaepiphyseal dysplasia short limb-abnormal calcification type; Smed short limb-abnormal calcification type; SMED, TYPE II; SMED-SL/AC. Identifiers: Orphanet 93358, MedGen C1849011, MONDO:0010077, OMIM 271665.

Allele frequency attached by ClinVar (database versions not stated): ExAC 0.00001; TOPMed 0.00001.
gnomAD v4.1: 6 of 1,614,070 alleles (0.00037%); highest among the groups gnomAD compares: Non-Finnish European, 0.00051%; no homozygotes.

Submissions (3):

3billion
Classification: Likely pathogenic for Spondyloepimetaphyseal dysplasia-short limb-abnormal calcification syndrome. Last evaluated: 2025-09-16. Review status: criteria provided, single submitter. Criteria: ACMG Guidelines, 2015. Collection method: clinical testing. Allele origin: germline. Affected: yes.
Comment: The variant is observed at an extremely low frequency in the gnomAD v4.1.0 dataset (total allele frequency: <0.001%). Predicted Consequence/Location: Missense variant Functional studies provide moderate evidence of the variant having a damaging effect on the gene or gene product (PMID: 20223752). In silico tool predictions suggest damaging effect of the variant on gene or gene product [REVEL: 0.88 (>=0.6, sensitivity 0.68 and specificity 0.92)]. The same nucleotide change resulting in the same amino acid change has been previously reported to be associated with DDR2-related disorder (ClinVar ID: VCV000012313 /PMID: 19110212 /3billion dataset). However, the evidence of pathogenicity is insufficient at this time. The variant has been reported to be in trans with a pathogenic variant as either compound heterozygous or homozygous in at least one similarly affected unrelated individual (PMID: 19110212, 20223752). A different missense change at the same codon (p.Arg752His) has been reported to be associated with DDR2-related disorder (PMID: 36720430). Therefore, this variant is classified as Likely pathogenic according to the recommendation of ACMG/AMP guideline.

Genomic Medicine Center of Excellence, King Faisal Specialist Hospital and Research Centre
Classification: Likely pathogenic for Spondyloepimetaphyseal dysplasia-short limb-abnormal calcification syndrome. Last evaluated: 2025-09-10. Review status: criteria provided, single submitter. Criteria: ACMG Guidelines, 2015. Collection method: clinical testing. Allele origin: germline.

OMIM
Classification: Pathogenic for SPONDYLOMETAEPIPHYSEAL DYSPLASIA, SHORT LIMB-HAND TYPE. Last evaluated: 2010-06-01. Review status: no assertion criteria provided. Collection method: literature only. Allele origin: germline. Not counted in ClinVar's aggregate classification.

Literature cited by the submitters: PubMed 36720430 (cited by 3billion); PubMed 20223752 (cited by 3billion and OMIM); PubMed 19110212 (cited by 3billion and OMIM); PubMed 8818447 (cited by OMIM).